The following is an entry in ClinVar:

ClinVar aggregate classification (germline): Uncertain significance (1 of 4 stars; one submission).

Conditions:
CEP295-related condition.

gnomAD v4.1: 40 of 1,546,456 alleles (0.0026%); highest among the groups gnomAD compares: East Asian, 0.081%; no homozygotes.

Submission:

PreventionGenetics, part of Exact Sciences
Classification: Uncertain significance for CEP295-related condition. Last evaluated: 2026-05-07. Review status: criteria provided, single submitter. Criteria: ACMG Guidelines, 2015. Collection method: clinical testing. Allele origin: germline.
Comment: The CEP295 c.7549A>G variant is predicted to result in the amino acid substitution p.Lys2517Glu. To our knowledge, this variant has not been reported in the literature. This variant is reported in 0.0094% of alleles in individuals of East Asian descent in gnomAD. At this time, the clinical significance of this variant is uncertain due to the absence of conclusive functional and genetic evidence.

NM_033395.2(CEP295):c.7549A>G (p.Lys2517Glu)

Gene: CEP295 (centrosomal protein 295; plus strand). Cytogenetic location: 11q21.
Variant type: single nucleotide variant.
Coding change: c.7549A>G on transcript NM_033395.2 (MANE Select); coding-DNA position 7549, A replaced by G.
Protein change: p.Lys2517Glu; replaces lysine 2517 with glutamic acid.
Molecular consequence: missense variant.
Genome position (GRCh38, 1-based): chr11:93,729,763, A>G. VCF-style: chr11-93729763-A-G. GRCh37 (hg19) VCF-style: chr11-93462929-A-G.
Other names: short protein forms K2517E.
Identifiers: ClinVar variation 4979263 (VCV004979263.1).